The following is an entry in ClinVar:

ClinVar aggregate classification (germline): Uncertain significance (1 of 4 stars; one submission).

Conditions:
Hyperekplexia 3 (HKPX3). Also called: HYPEREKPLEXIA 3, AUTOSOMAL RECESSIVE; HYPEREKPLEXIA 3, AUTOSOMAL DOMINANT. Identifiers: Orphanet 3197, MedGen C3553288, MONDO:0013827, OMIM 614618.

Allele frequency attached by ClinVar (database versions not stated): gnomAD exomes below 0.00001; TOPMed below 0.00001; ExAC 0.00002.

Submission:

Labcorp Genetics (formerly Invitae), Labcorp
Classification: Uncertain significance for Hyperekplexia 3. Last evaluated: 2021-07-09. Review status: criteria provided, single submitter. Criteria: Invitae Variant Classification Sherloc (09022015). Collection method: clinical testing. Allele origin: germline.
Comment: This sequence change replaces aspartic acid with valine at codon 66 of the SLC6A5 protein (p.Asp66Val). The aspartic acid residue is moderately conserved and there is a large physicochemical difference between aspartic acid and valine. This variant is present in population databases (rs776289389, ExAC 0.02%). This variant has not been reported in the literature in individuals with SLC6A5-related conditions. Advanced modeling of protein sequence and biophysical properties (such as structural, functional, and spatial information, amino acid conservation, physicochemical variation, residue mobility, and thermodynamic stability) performed at Invitae indicates that this missense variant is not expected to disrupt SLC6A5 protein function. In summary, the available evidence is currently insufficient to determine the role of this variant in disease. Therefore, it has been classified as a Variant of Uncertain Significance.

NM_004211.5(SLC6A5):c.197A>T (p.Asp66Val)

Gene: SLC6A5 (solute carrier family 6 member 5; plus strand). Cytogenetic location: 11p15.1.
Variant type: single nucleotide variant.
Coding change: c.197A>T on transcript NM_004211.5 (MANE Select); coding-DNA position 197, A replaced by T.
Protein change: p.Asp66Val; replaces aspartic acid 66 with valine.
Molecular consequence: missense variant. On other transcripts: 5 prime UTR variant (1).
Genome position (GRCh38, 1-based): chr11:20,601,322, A>T. VCF-style: chr11-20601322-A-T. GRCh37 (hg19) VCF-style: chr11-20622868-A-T.
Other names: c.-367A>T (NM_001318369.2); short protein forms D66V.
Identifiers: ClinVar variation 1406306 (VCV001406306.6), dbSNP rs776289389, ClinGen allele CA5921016.